The following is an entry in ClinVar:

NM_016373.4(WWOX):c.52C>T (p.Leu18=)

Gene: WWOX (WW domain containing oxidoreductase; plus strand). Cytogenetic location: 16q23.1.
Variant type: single nucleotide variant.
Coding change: c.52C>T on transcript NM_016373.4 (MANE Select); coding-DNA position 52, C replaced by T.
Protein change: p.Leu18=; no amino-acid change (leucine 18 retained).
Molecular consequence: synonymous variant. On other transcripts: 5 prime UTR variant (1), non-coding transcript variant (2).
Genome position (GRCh38, 1-based): chr16:78,099,830, C>T. VCF-style: chr16-78099830-C-T. GRCh37 (hg19) VCF-style: chr16-78133727-C-T.
Other names: c.-223C>T (NM_001291997.2); c.52C>T, p.Leu18= (NM_130791.5).
Identifiers: ClinVar variation 4823316 (VCV004823316.4).

ClinVar aggregate classification (germline): Likely benign (1 of 4 stars; one submission).

gnomAD v4.1: 3 of 1,581,926 alleles (0.00019%); highest among the groups gnomAD compares: East Asian, 0.0023%; no homozygotes.

Submission:

CeGaT Center for Human Genetics Tuebingen
Classification: Likely benign. Last evaluated: 2026-02-01. Review status: criteria provided, single submitter. Criteria: CeGaT Center For Human Genetics Tuebingen Variant Classification Criteria Version 2. Collection method: clinical testing. Allele origin: germline. Affected: yes. Observed: 1 variant allele.
Comment: WWOX: BP4, BP7